The following is an entry in ClinVar:

NM_022089.4(ATP13A2):c.558-1G>T

Gene: ATP13A2 (ATPase cation transporting 13A2; minus strand). Cytogenetic location: 1p36.13.
Variant type: single nucleotide variant.
Coding change: c.558-1G>T on transcript NM_022089.4 (MANE Select); the canonical splice acceptor site of the intron before coding-DNA position 558, G replaced by T.
Molecular consequence: splice acceptor variant.
Genome position (GRCh38, 1-based): chr1:17,002,374, C>A on the plus strand (G>T on the coding strand, the complement: ATP13A2 is on the minus strand). VCF-style: chr1-17002374-C-A. GRCh37 (hg19) VCF-style: chr1-17328869-C-A.
Other names: c.543-1G>T (NM_001141974.3, NM_001141973.3).
Identifiers: ClinVar variation 873473 (VCV000873473.1), dbSNP rs2077392348, ClinGen allele CA338260662.
Genomic context (GRCh38, chr1:17,002,374, plus strand): 5'-AGGCTGAGGCCATGGCGGGAGCGGTGGACGTCGTCACAAGAGCGGCCATGGTCCAGGAGG[C>A]TGGGGGTGGGTGCGAGGGGACACGCATGGGCCATGGGGCCTGAGGTCTGCATCCCCCACC-3'

ClinVar aggregate classification (germline): Likely pathogenic (1 of 4 stars; one submission).

Conditions:
Kufor-Rakeb syndrome (KRS). Also called: PARKINSON DISEASE 9, AUTOSOMAL RECESSIVE, JUVENILE-ONSET. Identifiers: Orphanet 306674, Orphanet 314632, MedGen C1847640, MONDO:0011706, OMIM 606693.
Autosomal recessive spastic paraplegia type 78. Identifiers: Orphanet 513436, MedGen C5567893, MONDO:0014975, OMIM 617225.

Submission:

UNC Molecular Genetics  Laboratory, University of North Carolina at Chapel Hill
Classification: Likely pathogenic for Kufor-Rakeb syndrome; Spastic paraplegia 78, autosomal recessive. Review status: criteria provided, single submitter. Criteria: ACMG Guidelines, 2015. Collection method: research. Allele origin: germline. Affected: no. Observed: 1 variant allele. Study: NSIGHT-NC NEXUS.
Comment: The ATP13A2 c.558-1G>T (p.?) variant is predicted to disrupt a canonical mRNA splice acceptor site.

carrier finding